The following is an entry in ClinVar:

ClinVar aggregate classification (germline): Uncertain significance (1 of 4 stars; one submission).

Allele frequency attached by ClinVar (database versions not stated): gnomAD 0.00001; gnomAD exomes 0.00001; ExAC 0.00002; TOPMed 0.00002.
gnomAD v4.1: 12 of 1,501,582 alleles (0.0008%); highest among the groups gnomAD compares: Admixed American, 0.005%; no homozygotes.

Submission:

Labcorp Genetics (formerly Invitae), Labcorp
Classification: Uncertain significance. Last evaluated: 2022-06-22. Review status: criteria provided, single submitter. Criteria: Invitae Variant Classification Sherloc (09022015). Collection method: clinical testing. Allele origin: germline.
Comment: This sequence change falls in intron 7 of the CNGB3 gene. It does not directly change the encoded amino acid sequence of the CNGB3 protein. This variant is present in population databases (rs778412233, gnomAD 0.006%). This variant has not been reported in the literature in individuals affected with CNGB3-related conditions. Algorithms developed to predict the effect of sequence changes on RNA splicing suggest that this variant may disrupt the consensus splice site. In summary, the available evidence is currently insufficient to determine the role of this variant in disease. Therefore, it has been classified as a Variant of Uncertain Significance.

NM_019098.5(CNGB3):c.904-11T>C

Gene: CNGB3 (cyclic nucleotide gated channel subunit beta 3; minus strand). Cytogenetic location: 8q21.3.
Variant type: single nucleotide variant.
Coding change: c.904-11T>C on transcript NM_019098.5 (MANE Select); 11 bases into the intron before coding-DNA position 904, T replaced by C.
Molecular consequence: intron variant.
Genome position (GRCh38, 1-based): chr8:86,647,898, A>G on the plus strand (T>C on the coding strand, the complement: CNGB3 is on the minus strand). VCF-style: chr8-86647898-A-G. GRCh37 (hg19) VCF-style: chr8-87660126-A-G.
Identifiers: ClinVar variation 2141599 (VCV002141599.1), dbSNP rs778412233, ClinGen allele CA4800223.
Genomic context (GRCh38, chr8:86,647,898, plus strand): 5'-CCAAAGAAGAGGTAGCAAATATCAAATGGTATTATTGATGCGACATCCAACTGTTGAAAG[A>G]ACACATTCACAAATATGTTGTGTTTACATGCCTTTCTGGGAATGGATGGATTTACGCTGA-3'